The following is an entry in ClinVar:

ClinVar aggregate classification (germline): Conflicting classifications of pathogenicity. Review status: criteria provided, conflicting classifications (1 of 4 stars). 5 submissions from 5 submitters: Uncertain significance (4); Likely benign (1). Last evaluated 2026-01-20.

Conditions:
Jeune thoracic dystrophy. Also called: Infantile thoracic dystrophy; Thoracic pelvic phalangeal dystrophy; Jeune's syndrome; Chondroectodermal dysplasia-like syndrome; Short-rib thoracic dysplasia; Jeune syndrome. Identifiers: Orphanet 474, MedGen C0265275, MONDO:0018770.
Asphyxiating thoracic dystrophy 3. Also called: SHORT-RIB THORACIC DYSPLASIA 3 WITH OR WITHOUT POLYDACTYLY; POLYDACTYLY WITH NEONATAL CHONDRODYSTROPHY, TYPE I; SHORT-RIB THORACIC DYSPLASIA 3/6 WITH POLYDACTYLY, DIGENIC; Short rib polydactyly syndrome 2B; Saldino-Noonan Syndrome. Identifiers: Orphanet 474, Orphanet 93269, Orphanet 93270, Orphanet 93271, MedGen C0036069, MONDO:0013127, OMIM 613091.

Allele frequency attached by ClinVar (database versions not stated): ESP Exome Variant Server 0.00034; TOPMed 0.00034; gnomAD exomes 0.00039; gnomAD 0.00042 and 0.00043; 1000 Genomes Project 30x 0.00047; 1000 Genomes Project 0.00060; ExAC 0.00061.
gnomAD v4.1: 922 of 1,602,696 alleles (0.058%); highest among the groups gnomAD compares: Non-Finnish European, 0.071%; no homozygotes.

Submissions (6):

Labcorp Genetics (formerly Invitae), Labcorp
Classification: Likely benign for Jeune thoracic dystrophy. Last evaluated: 2026-01-20. Review status: criteria provided, single submitter. Criteria: Invitae Variant Classification Sherloc (09022015). Collection method: clinical testing. Allele origin: germline.

Blueprint Genetics
Classification: Uncertain significance. Last evaluated: 2024-10-17. Review status: criteria provided, single submitter. Criteria: ACMG Guidelines, 2015. Collection method: clinical testing. Allele origin: germline.

GeneDx
Classification: Uncertain significance. Last evaluated: 2024-04-22. Review status: criteria provided, single submitter. Criteria: GeneDx Variant Classification Process June 2021. Collection method: clinical testing. Allele origin: germline. Affected: yes.
Comment: In silico analysis supports that this missense variant has a deleterious effect on protein structure/function; Has not been previously published as pathogenic or benign to our knowledge

ARUP Laboratories, Molecular Genetics and Genomics, ARUP Laboratories
Classification: Uncertain significance for Asphyxiating thoracic dystrophy 3. Last evaluated: 2023-10-02. Review status: criteria provided, single submitter. Criteria: ARUP Molecular Germline Variant Investigation Process 2024. Collection method: clinical testing. Allele origin: germline.
Comment: The DYNC2H1 c.3419G>T; p.Gly1140Val variant, to our knowledge, is not described in the medical literature but is reported as a variant of uncertain clinical significance in ClinVar (Variation ID: 302025). It is observed in the general population at an overall frequency of 0.04% (107/264972 alleles) in the Genome Aggregation Database. The glycine at codon 1140 is highly conserved, but computational algorithms (PolyPhen-2, SIFT) predict that this variant is tolerated. Due to the lack of clinical and functional data regarding this variant, its clinical significance cannot be determined with certainty.

Illumina Laboratory Services, Illumina
Classification: Uncertain significance for Asphyxiating thoracic dystrophy 3. Last evaluated: 2018-01-12. Review status: criteria provided, single submitter. Criteria: ICSL Variant Classification Criteria 13 December 2019. Collection method: clinical testing. Allele origin: germline.

Dr. Peter K. Rogan Lab, Western University
No classification provided (evidence only). Condition: Gastric cancer. Review status: no classification provided. Collection method: in vitro. Allele origin: not applicable. Functional consequence: retained intron. Not counted in ClinVar's aggregate classification.

NM_001377.3(DYNC2H1):c.3419G>T (p.Gly1140Val)

Gene: DYNC2H1 (dynein cytoplasmic 2 heavy chain 1; plus strand). Cytogenetic location: 11q22.3.
Variant type: single nucleotide variant.
Coding change: c.3419G>T on transcript NM_001377.3 (MANE Select); coding-DNA position 3419, G replaced by T.
Protein change: p.Gly1140Val; replaces glycine 1140 with valine.
Molecular consequence: missense variant.
Genome position (GRCh38, 1-based): chr11:103,154,567, G>T. VCF-style: chr11-103154567-G-T. GRCh37 (hg19) VCF-style: chr11-103025296-G-T.
Other names: c.3419G>T, p.Gly1140Val (NM_001080463.2); short protein forms G1140V.
Identifiers: ClinVar variation 302025 (VCV000302025.27), dbSNP rs201043335, ClinGen allele CA6253314.